The following is an entry in ClinVar:

ClinVar aggregate classification (germline): Pathogenic. Review status: criteria provided, multiple submitters, no conflicts (2 of 4 stars). 2 submissions from 2 submitters: Pathogenic (2). Last evaluated 2024-07-22.

Conditions:
Congenital myasthenic syndrome (CMS). Also called: Congenital Myasthenic Syndromes. Identifiers: Orphanet 590, MedGen C0751882, MeSH D020294, MONDO:0018940.

Submissions (2):

Myriad Genetics, Inc.
Classification: Pathogenic for Congenital myasthenic syndrome. Last evaluated: 2024-07-22. Review status: criteria provided, single submitter. Criteria: Myriad Autosomal Dominant, Autosomal Recessive and X-Linked Classification Criteria (2023). Collection method: clinical testing. Allele origin: unknown.
Comment: NM_000080.3(CHRNE):c.799C>T(Q267*) is expected to be pathogenic in the context of congenital myasthenic syndrome, CHRNE-related. This variant is predicted to lead to an abnormal or absent protein product due to the creation of a premature termination codon in CHRNE, a gene where loss-of-function variants are known to be pathogenic. Please note: this variant was assessed in the context of healthy population screening.

GeneDx
Classification: Pathogenic. Last evaluated: 2022-02-02. Review status: criteria provided, single submitter. Criteria: GeneDx Variant Classification Process June 2021. Collection method: clinical testing. Allele origin: germline. Affected: yes.
Comment: Nonsense variant predicted to result in protein truncation or nonsense mediated decay in a gene for which loss-of-function is a known mechanism of disease; Not observed at significant frequency in large population cohorts (gnomAD); This variant is associated with the following publications: (PMID: 31069529)

NM_000080.4(CHRNE):c.799C>T (p.Gln267Ter)

Genes: C17orf107 (chromosome 17 open reading frame 107; plus strand), CHRNE (cholinergic receptor nicotinic epsilon subunit; minus strand). Cytogenetic location: 17p13.2.
Variant type: single nucleotide variant.
Coding change: c.799C>T on transcript NM_000080.4 (MANE Select); coding-DNA position 799, C replaced by T.
Protein change: p.Gln267Ter; replaces glutamine 267 with a stop codon.
Molecular consequence: nonsense. On other transcripts: 3 prime UTR variant (1).
Genome position (GRCh38, 1-based): chr17:4,900,993, G>A on the plus strand (C>T on the coding strand, the complement: CHRNE is on the minus strand). VCF-style: chr17-4900993-G-A. GRCh37 (hg19) VCF-style: chr17-4804288-G-A.
Other names: c.*460G>A (NM_001145536.2); short protein forms Q267*.
Identifiers: ClinVar variation 620255 (VCV000620255.5), dbSNP rs1567638550, ClinGen allele CA397304706.
Genomic context (GRCh38, chr17:4,900,993, plus strand): 5'-GCCCCGCCTCCCGGGAGCGAGCCCGGGTTTGGGGGTAGGTTCGGGGCCACTGCTTACCCT[G>A]CGCCGGCAGGAAGTAGGCGAGCAGCACCAGGCCCGAGATGAGCACACAGGGCACGATGAT-3'